The following is an entry in ClinVar:

NM_000219.6(KCNE1):c.-252G>A

Gene: KCNE1 (potassium voltage-gated channel subfamily E regulatory subunit 1; minus strand). Cytogenetic location: 21q22.12.
Variant type: single nucleotide variant.
Coding change: c.-252G>A on transcript NM_000219.6 (MANE Select); 252 bases upstream of the start codon, G replaced by A.
Molecular consequence: 5 prime UTR variant.
Genome position (GRCh38, 1-based): chr21:34,511,191, C>T on the plus strand (G>A on the coding strand, the complement: KCNE1 is on the minus strand). VCF-style: chr21-34511191-C-T. GRCh37 (hg19) VCF-style: chr21-35883489-C-T.
Other names: c.-252G>A (NM_001270402.3); c.-224G>A (NM_001270403.2); c.-141G>A (NM_001270404.3).
Identifiers: ClinVar variation 339779 (VCV000339779.8), dbSNP rs2834502, ClinGen allele CA10653542.

ClinVar aggregate classification (germline): Benign. Review status: criteria provided, multiple submitters, no conflicts (2 of 4 stars). 5 submissions from 4 submitters: Benign (5). Last evaluated 2018-06-29.

Conditions:
Jervell and Lange-Nielsen syndrome 2 (JLNS2). Identifiers: Orphanet 768, Orphanet 90647, MedGen C2676723, MONDO:0012871, OMIM 612347.
Long QT syndrome 5 (LQT5). Identifiers: Orphanet 101016, Orphanet 768, MedGen C1867904, MONDO:0013372, OMIM 613695.

Allele frequency attached by ClinVar (database versions not stated): gnomAD 0.19962 and 0.20622; TOPMed 0.21352; gnomAD exomes 0.23170; 1000 Genomes Project 30x 0.24329; 1000 Genomes Project 0.25379.
gnomAD v4.1: 224,818 of 985,406 alleles (23%); highest among the groups gnomAD compares: East Asian, 51%; 27,164 homozygotes.

Submissions (5):

Blueprint Genetics
Classification: Benign. Last evaluated: 2018-06-29. Review status: criteria provided, single submitter. Criteria: ACMG Guidelines, 2015. Collection method: clinical testing. Allele origin: germline.

Illumina Laboratory Services, Illumina
Classification: Benign for Long QT syndrome 5. Last evaluated: 2018-01-13. Review status: criteria provided, single submitter. Criteria: ICSL Variant Classification Criteria 13 December 2019. Collection method: clinical testing. Allele origin: germline.
Comment: This variant was observed in the ICSL laboratory as part of a predisposition screen in an ostensibly healthy population. It had not been previously curated by ICSL or reported in the Human Gene Mutation Database (HGMD: prior to June 1st, 2018), and was therefore a candidate for classification through an automated scoring system. Utilizing variant allele frequency, disease prevalence and penetrance estimates, and inheritance mode, an automated score was calculated to assess if this variant is too frequent to cause the disease. Based on the score and internal cut-off values, a variant classified as benign is not then subjected to further curation. The score for this variant resulted in a classification of benign for this disease.

Illumina Laboratory Services, Illumina
Classification: Benign for Jervell and Lange-Nielsen syndrome 2. Last evaluated: 2018-01-13. Review status: criteria provided, single submitter. Criteria: ICSL Variant Classification Criteria 13 December 2019. Collection method: clinical testing. Allele origin: germline.
Comment: the same text as in the submission from Illumina Laboratory Services, Illumina above.

GeneDx
Classification: Benign. Last evaluated: 2015-03-03. Review status: criteria provided, single submitter. Criteria: GeneDx Variant Classification Process June 2021. Collection method: clinical testing. Allele origin: germline. Affected: yes.

Breakthrough Genomics
Classification: Benign. Review status: criteria provided, single submitter. Criteria: ACMG Guidelines, 2015. Collection method: not provided. Allele origin: germline. Inheritance: Autosomal recessive inheritance. Affected: yes.